The following is an entry in ClinVar:

ClinVar aggregate classification (germline): Uncertain significance (1 of 4 stars; one submission).

Conditions:
Polyglucosan body myopathy type 1 (PGBM1). Also called: POLYGLUCOSAN BODY MYOPATHY WITHOUT IMMUNODEFICIENCY; Polyglucosan body myopathy 1 with or without immunodeficiency. Identifiers: Orphanet 329173, Orphanet 397937, MedGen C4014605, MONDO:0014389, OMIM 615895.

Allele frequency attached by ClinVar (database versions not stated): gnomAD exomes 0.00001.
gnomAD v4.1: 12 of 1,613,540 alleles (0.00074%); highest among the groups gnomAD compares: Non-Finnish European, 0.001%; no homozygotes.

Submission:

Labcorp Genetics (formerly Invitae), Labcorp
Classification: Uncertain significance for Polyglucosan body myopathy type 1. Last evaluated: 2022-08-01. Review status: criteria provided, single submitter. Criteria: Invitae Variant Classification Sherloc (09022015). Collection method: clinical testing. Allele origin: germline.
Comment: This sequence change falls in intron 2 of the RBCK1 gene. It does not directly change the encoded amino acid sequence of the RBCK1 protein. It affects a nucleotide within the consensus splice site. This variant is not present in population databases (gnomAD no frequency). This variant has not been reported in the literature in individuals affected with RBCK1-related conditions. ClinVar contains an entry for this variant (Variation ID: 1395578). Variants that disrupt the consensus splice site are a relatively common cause of aberrant splicing (PMID: 17576681, 9536098). Algorithms developed to predict the effect of sequence changes on RNA splicing suggest that this variant is not likely to affect RNA splicing. In summary, the available evidence is currently insufficient to determine the role of this variant in disease. Therefore, it has been classified as a Variant of Uncertain Significance.

Literature cited by the submitters: PubMed 17576681; PubMed 9536098.

NM_031229.4(RBCK1):c.167+3G>A

Gene: RBCK1 (RANBP2-type and C3HC4-type zinc finger containing 1; plus strand). Cytogenetic location: 20p13.
Variant type: single nucleotide variant.
Coding change: c.167+3G>A on transcript NM_031229.4 (MANE Select); 3 bases into the intron after coding-DNA position 167, G replaced by A.
Molecular consequence: intron variant.
Genome position (GRCh38, 1-based): chr20:410,028, G>A. VCF-style: chr20-410028-G-A. GRCh37 (hg19) VCF-style: chr20-390672-G-A.
Other names: c.-183+3G>A (NM_001323956.2); c.41+1249G>A (NM_006462.6); c.-183+1249G>A (NM_001323958.2); c.167+3G>A (NM_001323960.2).
Identifiers: ClinVar variation 1395578 (VCV001395578.3), dbSNP rs2015610951, ClinGen allele CA2345181766.